The following is an entry in ClinVar:

ClinVar aggregate classification (germline): Uncertain significance (1 of 4 stars; one submission).

Allele frequency attached by ClinVar (database versions not stated): TOPMed 0.00002; gnomAD 0.00003; gnomAD exomes 0.00004 and 0.00008; ESP Exome Variant Server 0.00008; ExAC 0.00009.

Submission:

Labcorp Genetics (formerly Invitae), Labcorp
Classification: Uncertain significance. Last evaluated: 2023-08-10. Review status: criteria provided, single submitter. Criteria: Invitae Variant Classification Sherloc (09022015). Collection method: clinical testing. Allele origin: germline.
Comment: In summary, the available evidence is currently insufficient to determine the role of this variant in disease. Therefore, it has been classified as a Variant of Uncertain Significance. Variants that disrupt the consensus splice site are a relatively common cause of aberrant splicing (PMID: 17576681, 9536098). Algorithms developed to predict the effect of sequence changes on RNA splicing suggest that this variant is not likely to affect RNA splicing. This sequence change falls in intron 42 of the RTTN gene. It does not directly change the encoded amino acid sequence of the RTTN protein. It affects a nucleotide within the consensus splice site. This variant is present in population databases (rs370297567, gnomAD 0.1%). This variant has not been reported in the literature in individuals affected with RTTN-related conditions. ClinVar contains an entry for this variant (Variation ID: 1387662).

Literature cited by the submitters: PubMed 17576681; PubMed 9536098.

NM_173630.4(RTTN):c.5746-3T>C

Gene: RTTN (rotatin; minus strand). Cytogenetic location: 18q22.2.
Variant type: single nucleotide variant.
Coding change: c.5746-3T>C on transcript NM_173630.4 (MANE Select); 3 bases into the intron before coding-DNA position 5746, T replaced by C.
Molecular consequence: intron variant.
Genome position (GRCh38, 1-based): chr18:70,028,804, A>G on the plus strand (T>C on the coding strand, the complement: RTTN is on the minus strand). VCF-style: chr18-70028804-A-G. GRCh37 (hg19) VCF-style: chr18-67696040-A-G.
Other names: c.3010-3T>C (NM_001318520.2).
Identifiers: ClinVar variation 1387662 (VCV001387662.4), dbSNP rs370297567, ClinGen allele CA8994850.